The following is an entry in ClinVar:

ClinVar aggregate classification (germline): Uncertain significance (1 of 4 stars; one submission).

Submission:

Labcorp Genetics (formerly Invitae), Labcorp
Classification: Uncertain significance. Last evaluated: 2024-10-15. Review status: criteria provided, single submitter. Criteria: Invitae Variant Classification Sherloc (09022015). Collection method: clinical testing. Allele origin: germline.
Comment: This sequence change replaces glycine, which is neutral and non-polar, with arginine, which is basic and polar, at codon 4146 of the LRP2 protein (p.Gly4146Arg). This variant is not present in population databases (gnomAD no frequency). This variant has not been reported in the literature in individuals affected with LRP2-related conditions. ClinVar contains an entry for this variant (Variation ID: 2005396). Invitae Evidence Modeling of protein sequence and biophysical properties (such as structural, functional, and spatial information, amino acid conservation, physicochemical variation, residue mobility, and thermodynamic stability) indicates that this missense variant is expected to disrupt LRP2 protein function with a positive predictive value of 95%. In summary, the available evidence is currently insufficient to determine the role of this variant in disease. Therefore, it has been classified as a Variant of Uncertain Significance.

NM_004525.3(LRP2):c.12436G>A (p.Gly4146Arg)

Gene: LRP2 (LDL receptor related protein 2; minus strand). Cytogenetic location: 2q31.1.
Variant type: single nucleotide variant.
Coding change: c.12436G>A on transcript NM_004525.3 (MANE Select); coding-DNA position 12436, G replaced by A.
Protein change: p.Gly4146Arg; replaces glycine 4146 with arginine.
Molecular consequence: missense variant.
Genome position (GRCh38, 1-based): chr2:169,152,824, C>T on the plus strand (G>A on the coding strand, the complement: LRP2 is on the minus strand). VCF-style: chr2-169152824-C-T. GRCh37 (hg19) VCF-style: chr2-170009334-C-T.
Other names: short protein forms G4146R.
Identifiers: ClinVar variation 2005396 (VCV002005396.4), dbSNP rs867291754, ClinGen allele CA59896830.